The following is an entry in ClinVar:

NM_018136.5(ASPM):c.3082+6A>T

Gene: ASPM (assembly factor for spindle microtubules; minus strand). Cytogenetic location: 1q31.3.
Variant type: single nucleotide variant.
Coding change: c.3082+6A>T on transcript NM_018136.5 (MANE Select); 6 bases into the intron after coding-DNA position 3082, A replaced by T.
Molecular consequence: intron variant.
Genome position (GRCh38, 1-based): chr1:197,125,040, T>A on the plus strand (A>T on the coding strand, the complement: ASPM is on the minus strand). VCF-style: chr1-197125040-T-A. GRCh37 (hg19) VCF-style: chr1-197094170-T-A.
Other names: c.3082+6A>T (NM_001206846.2).
Identifiers: ClinVar variation 2052795 (VCV002052795.5), dbSNP rs1455227865, ClinGen allele CA528535222.

ClinVar aggregate classification (germline): Conflicting classifications of pathogenicity. Review status: criteria provided, conflicting classifications (1 of 4 stars). 2 submissions from 2 submitters: Uncertain significance (1); Likely benign (1). Last evaluated 2023-06-19.

Allele frequency attached by ClinVar (database versions not stated): gnomAD exomes below 0.00001; TOPMed below 0.00001.
gnomAD v4.1: 5 of 1,613,848 alleles (0.00031%); highest among the groups gnomAD compares: East Asian, 0.0022%; no homozygotes.

Submissions (2):

Blueprint Genetics
Classification: Likely benign. Last evaluated: 2023-06-19. Review status: criteria provided, single submitter. Criteria: ACMG Guidelines, 2015. Collection method: clinical testing. Allele origin: germline.

Labcorp Genetics (formerly Invitae), Labcorp
Classification: Uncertain significance. Last evaluated: 2022-07-25. Review status: criteria provided, single submitter. Criteria: Invitae Variant Classification Sherloc (09022015). Collection method: clinical testing. Allele origin: germline.
Comment: This sequence change falls in intron 11 of the ASPM gene. It does not directly change the encoded amino acid sequence of the ASPM protein. It affects a nucleotide within the consensus splice site. This variant is present in population databases (no rsID available, gnomAD no frequency). This variant has not been reported in the literature in individuals affected with ASPM-related conditions. Variants that disrupt the consensus splice site are a relatively common cause of aberrant splicing (PMID: 17576681, 9536098). Algorithms developed to predict the effect of sequence changes on RNA splicing suggest that this variant is not likely to affect RNA splicing. In summary, the available evidence is currently insufficient to determine the role of this variant in disease. Therefore, it has been classified as a Variant of Uncertain Significance.

Literature cited by the submitters: PubMed 17576681 (cited by Labcorp Genetics (formerly Invitae), Labcorp); PubMed 9536098 (cited by Labcorp Genetics (formerly Invitae), Labcorp).